The following is an entry in ClinVar:

NM_000257.4(MYH7):c.5279C>G (p.Thr1760Arg)

Genes: MYH7 (myosin heavy chain 7; minus strand), LOC126861897 (BRD4-independent group 4 enhancer GRCh37_chr14:23884455-23885654; plus strand). Cytogenetic location: 14q11.2.
Variant type: single nucleotide variant.
Coding change: c.5279C>G on transcript NM_000257.4 (MANE Select); coding-DNA position 5279, C replaced by G.
Protein change: p.Thr1760Arg; replaces threonine 1760 with arginine.
Molecular consequence: missense variant.
Genome position (GRCh38, 1-based): chr14:23,415,385, G>C on the plus strand (C>G on the coding strand, the complement: MYH7 is on the minus strand). VCF-style: chr14-23415385-G-C. GRCh37 (hg19) VCF-style: chr14-23884594-G-C.
Other names: short protein forms T1760R.
Identifiers: ClinVar variation 1526128 (VCV001526128.3), dbSNP rs727505294, ClinGen allele CA389036053.

ClinVar aggregate classification (germline): Likely pathogenic (1 of 4 stars; one submission).

Conditions:
Hypertrophic cardiomyopathy 1 (CMH1). Also called: Familial hypertrophic cardiomyopathy 1; MYH7-Related Familial Hypertrophic Cardiomyopathy. Identifiers: MedGen C3495498, MONDO:0008647, OMIM 192600.

Submission:

3billion
Classification: Likely pathogenic for Hypertrophic cardiomyopathy 1. Last evaluated: 2025-12-23. Review status: criteria provided, single submitter. Criteria: ACMG Guidelines, 2015. Collection method: clinical testing. Allele origin: germline. Affected: yes.
Comment: The variant is not observed in the gnomAD v4.1.0 dataset. Predicted Consequence/Location: Missense variant In silico tool predictions suggest damaging effect of the variant on gene or gene product [REVEL: 0.80 (>=0.6, sensitivity 0.68 and specificity 0.92); 3Cnet: 0.99 (> 0.75, sensitivity 0.96 and precision 0.92)]. The same nucleotide change resulting in the same amino acid change has been previously reported to be associated with MYH7-related disorder (ClinVar ID: VCV001526128 /PMID: 29398688 /3billion dataset).Different missense changes at the same codon (p.Thr1760Lys, p.Thr1760Met) have been reported as pathogenic/likely pathogenic with strong evidence (ClinVar ID: VCV000180024, VCV000665998 /PMID: 18409188, 34542152). Therefore, this variant is classified as Likely pathogenic according to the recommendation of ACMG/AMP guideline.

Literature cited by the submitters: PubMed 18409188; PubMed 29398688.